The following is an entry in ClinVar:

NM_001848.3(COL6A1):c.2157G>A (p.Pro719=)

Gene: COL6A1 (collagen type VI alpha 1 chain; plus strand). Cytogenetic location: 21q22.3.
Variant type: single nucleotide variant.
Coding change: c.2157G>A on transcript NM_001848.3 (MANE Select); coding-DNA position 2157, G replaced by A.
Protein change: p.Pro719=; no amino-acid change (proline 719 retained).
Molecular consequence: synonymous variant.
Genome position (GRCh38, 1-based): chr21:46,002,308, G>A. VCF-style: chr21-46002308-G-A. GRCh37 (hg19) VCF-style: chr21-47422222-G-A.
Other names: c.2157G>A (NM_001848.2).
Identifiers: ClinVar variation 1130774 (VCV001130774.13), dbSNP rs377152990, ClinGen allele CA10070783.

ClinVar aggregate classification (germline): Likely benign. Review status: criteria provided, multiple submitters, no conflicts (2 of 4 stars). 3 submissions from 3 submitters: Likely benign (2). 1 of the submissions does not count toward it. Last evaluated 2026-05-01.

Conditions:
COL6A1-related disorder. Also called: COL6A1-related condition.
Bethlem myopathy 1A. Also called: Bethlem myopathy 1; Bethlem Muscular Dystrophy; MYOPATHY, BENIGN CONGENITAL, WITH CONTRACTURES. Identifiers: Orphanet 610, MedGen CN029274, MONDO:0024530, OMIM 158810.

Allele frequency attached by ClinVar (database versions not stated): TOPMed 0.00004; gnomAD exomes 0.00005 and 0.00006; ExAC 0.00006; gnomAD 0.00006; ESP Exome Variant Server 0.00008.
gnomAD v4.1: 81 of 1,593,206 alleles (0.0051%); highest among the groups gnomAD compares: Middle Eastern, 0.066%; no homozygotes.

Submissions (3):

CeGaT Center for Human Genetics Tuebingen
Classification: Likely benign. Last evaluated: 2026-05-01. Review status: criteria provided, single submitter. Criteria: CeGaT Center For Human Genetics Tuebingen Variant Classification Criteria Version 2. Collection method: clinical testing. Allele origin: germline. Affected: yes. Observed: 1 variant allele.
Comment: COL6A1: BP4, BP7

Labcorp Genetics (formerly Invitae), Labcorp
Classification: Likely benign for Bethlem myopathy 1A. Last evaluated: 2025-09-11. Review status: criteria provided, single submitter. Criteria: Invitae Variant Classification Sherloc (09022015). Collection method: clinical testing. Allele origin: germline.

PreventionGenetics, part of Exact Sciences
Classification: Likely benign for COL6A1-related condition. Last evaluated: 2023-12-29. Review status: no assertion criteria provided. Collection method: clinical testing. Allele origin: germline. Not counted in ClinVar's aggregate classification.
Comment: This variant is classified as likely benign based on ACMG/AMP sequence variant interpretation guidelines (Richards et al. 2015 PMID: 25741868, with internal and published modifications).